The following is an entry in ClinVar:

NM_022042.4(SLC26A1):c.596G>A (p.Arg199Gln)

Genes: IDUA (alpha-L-iduronidase; plus strand), SLC26A1 (solute carrier family 26 member 1; minus strand). Cytogenetic location: 4p16.3.
Variant type: single nucleotide variant.
Coding change: c.596G>A on transcript NM_022042.4 (MANE Select); coding-DNA position 596, G replaced by A.
Protein change: p.Arg199Gln; replaces arginine 199 with glutamine.
Molecular consequence: missense variant. On other transcripts: intron variant (2).
Genome position (GRCh38, 1-based): chr4:990,343, C>T on the plus strand (G>A on the coding strand, the complement: SLC26A1 is on the minus strand). VCF-style: chr4-990343-C-T. GRCh37 (hg19) VCF-style: chr4-984131-C-T.
Other names: c.596G>A, p.Arg199Gln (NM_213613.4); c.576+785G>A (NM_134425.4); c.299+2394C>T (NM_000203.5); short protein forms R199Q.
Identifiers: ClinVar variation 2374629 (VCV002374629.7), dbSNP rs572928465, ClinGen allele CA2801596.
Genomic context (GRCh38, chr4:990,343, plus strand): 5'-GCCCCCATGGCAAAGCCATCGAGCAGTGGCTGTGAGAGGTAGGCGGACACGAAGCCCAGC[C>T]GGAGGACGCCCATGAGGACCTGTGGACGGAGTGCGGTCAGGCCAGCAGGCGCCTGGCGGG-3'
Protein context (NP_071325.2, residues 189-209): GLYQVLMGVL[Arg199Gln]LGFVSAYLSQ

ClinVar aggregate classification (germline): Uncertain significance. Review status: criteria provided, multiple submitters, no conflicts (2 of 4 stars). 3 submissions from 3 submitters: Uncertain significance (3). Last evaluated 2025-06-12.

Conditions:
Inborn genetic diseases. Identifiers: MedGen C0950123, MeSH D030342.
Hypersulfaturia (HYSULF). Identifiers: MedGen C5830511, MONDO:0957268, OMIM 620372.
Nephrolithiasis susceptibility caused by SLC26A1 (CAON1). Also called: NEPHROLITHIASIS, CALCIUM OXALATE, 1. Identifiers: MedGen C5779632, MONDO:0020722, OMIM 167030.

Allele frequency attached by ClinVar (database versions not stated): 1000 Genomes Project 30x 0.00016; 1000 Genomes Project 0.00020; ExAC 0.00044; TOPMed 0.00011.
gnomAD v4.1: 207 of 1,601,634 alleles (0.013%); highest among the groups gnomAD compares: South Asian, 0.14%; 2 homozygotes.

Submissions (3):

Labcorp Genetics (formerly Invitae), Labcorp
Classification: Uncertain significance. Last evaluated: 2025-06-12. Review status: criteria provided, single submitter. Criteria: Invitae Variant Classification Sherloc (09022015). Collection method: clinical testing. Allele origin: germline.
Comment: This sequence change replaces arginine, which is basic and polar, with glutamine, which is neutral and polar, at codon 199 of the SLC26A1 protein (p.Arg199Gln). This variant is present in population databases (rs572928465, gnomAD 0.2%), and has an allele count higher than expected for a pathogenic variant. This variant has not been reported in the literature in individuals affected with SLC26A1-related conditions. ClinVar contains an entry for this variant (Variation ID: 2374629). An algorithm developed to predict the effect of missense changes on protein structure and function outputs the following: PolyPhen-2: "Benign". The glutamine amino acid residue is found in multiple mammalian species, which suggests that this missense change does not adversely affect protein function. In summary, the available evidence is currently insufficient to determine the role of this variant in disease. Therefore, it has been classified as a Variant of Uncertain Significance.

Ambry Genetics
Classification: Uncertain significance for Inborn genetic diseases. Last evaluated: 2025-04-10. Review status: criteria provided, single submitter. Criteria: Ambry Variant Classification Scheme 2023. Collection method: clinical testing. Allele origin: germline.

Fulgent Genetics
Classification: Uncertain significance for Nephrolithiasis susceptibility caused by SLC26A1; Hypersulfaturia. Last evaluated: 2024-05-21. Review status: criteria provided, single submitter. Criteria: ACMG Guidelines, 2015. Collection method: clinical testing. Allele origin: germline.